The following is an entry in ClinVar:

NM_001854.4(COL11A1):c.1211G>A (p.Gly404Asp)

Gene: COL11A1 (collagen type XI alpha 1 chain; minus strand). Cytogenetic location: 1p21.1.
Variant type: single nucleotide variant.
Coding change: c.1211G>A on transcript NM_001854.4 (MANE Select); coding-DNA position 1211, G replaced by A.
Protein change: p.Gly404Asp; replaces glycine 404 with aspartic acid.
Molecular consequence: missense variant. On other transcripts: non-coding transcript variant (1), intron variant (1).
Genome position (GRCh38, 1-based): chr1:103,022,776, C>T on the plus strand (G>A on the coding strand, the complement: COL11A1 is on the minus strand). VCF-style: chr1-103022776-C-T. GRCh37 (hg19) VCF-style: chr1-103488332-C-T.
Other names: c.1094G>A, p.Gly365Asp (NM_001190709.2); c.1247G>A, p.Gly416Asp (NM_080629.3); c.898-1007G>A (NM_080630.4); short protein forms G365D, G404D, G416D.
Identifiers: ClinVar variation 1301482 (VCV001301482.5), dbSNP rs748335883, ClinGen allele CA975097.

ClinVar aggregate classification (germline): Conflicting classifications of pathogenicity. Review status: criteria provided, conflicting classifications (1 of 4 stars). 2 submissions from 2 submitters: Uncertain significance (1); Likely benign (1). Last evaluated 2022-12-09.

Allele frequency attached by ClinVar (database versions not stated): ExAC 0.00001; gnomAD 0.00001; gnomAD exomes 0.00001.
gnomAD v4.1: 5 of 1,613,518 alleles (0.00031%); highest among the groups gnomAD compares: Middle Eastern, 0.066%; no homozygotes.

Submissions (2):

Labcorp Genetics (formerly Invitae), Labcorp
Classification: Likely benign. Last evaluated: 2022-12-09. Review status: criteria provided, single submitter. Criteria: Invitae Variant Classification Sherloc (09022015). Collection method: clinical testing. Allele origin: germline.

GeneDx
Classification: Uncertain significance. Last evaluated: 2021-10-12. Review status: criteria provided, single submitter. Criteria: GeneDx Variant Classification Process June 2021. Collection method: clinical testing. Allele origin: germline. Affected: yes.
Comment: Has not been previously published as pathogenic or benign to our knowledge; Not observed at a significant frequency in large population cohorts (Lek et al., 2016); In silico analysis supports that this missense variant has a deleterious effect on protein structure/function; Not located in the triple helical region, where the majority of pathogenic missense variants occur (Stenson et al., 2014; Acke et al., 2014)